The following is an entry in ClinVar:

NM_000628.5(IL10RB):c.302T>C (p.Val101Ala)

Genes: IFNAR2-IL10RB (IFNAR2-IL10RB readthrough; plus strand), IL10RB (interleukin 10 receptor subunit beta; plus strand). Cytogenetic location: 21q22.11.
Variant type: single nucleotide variant.
Coding change: c.302T>C on transcript NM_000628.5 (MANE Select); coding-DNA position 302, T replaced by C.
Protein change: p.Val101Ala; replaces valine 101 with alanine.
Molecular consequence: missense variant.
Genome position (GRCh38, 1-based): chr21:33,276,724, T>C. VCF-style: chr21-33276724-T-C. GRCh37 (hg19) VCF-style: chr21-34649029-T-C.
Other names: short protein forms V101A.
Identifiers: ClinVar variation 1510814 (VCV001510814.8), dbSNP rs2123573917, ClinGen allele CA410108989.

ClinVar aggregate classification (germline): Uncertain significance (1 of 4 stars; one submission).

Conditions:
Inflammatory bowel disease 25. Also called: Inflammatory bowel disease 25, early onset, autosomal recessive. Identifiers: Orphanet 238569, MedGen C2675508, MONDO:0012941, OMIM 612567.

Submission:

Labcorp Genetics (formerly Invitae), Labcorp
Classification: Uncertain significance for Inflammatory bowel disease 25. Last evaluated: 2020-12-22. Review status: criteria provided, single submitter. Criteria: Invitae Variant Classification Sherloc (09022015). Collection method: clinical testing. Allele origin: germline.
Comment: This sequence change replaces valine with alanine at codon 101 of the IL10RB protein (p.Val101Ala). The valine residue is moderately conserved and there is a small physicochemical difference between valine and alanine. This variant is not present in population databases (ExAC no frequency). This variant has not been reported in the literature in individuals with IL10RB-related conditions. Algorithms developed to predict the effect of missense changes on protein structure and function (SIFT, PolyPhen-2, Align-GVGD) all suggest that this variant is likely to be tolerated, but these predictions have not been confirmed by published functional studies and their clinical significance is uncertain. In summary, the available evidence is currently insufficient to determine the role of this variant in disease. Therefore, it has been classified as a Variant of Uncertain Significance.